The following is an entry in ClinVar:

NM_174936.4(PCSK9):c.147G>C (p.Glu49Asp)

Gene: PCSK9 (proprotein convertase subtilisin/kexin type 9; plus strand). Cytogenetic location: 1p32.3.
Variant type: single nucleotide variant.
Coding change: c.147G>C on transcript NM_174936.4 (MANE Select); coding-DNA position 147, G replaced by C.
Protein change: p.Glu49Asp; replaces glutamic acid 49 with aspartic acid.
Molecular consequence: missense variant. On other transcripts: 5 prime UTR variant (1), non-coding transcript variant (8).
Genome position (GRCh38, 1-based): chr1:55,039,984, G>C. VCF-style: chr1-55039984-G-C. GRCh37 (hg19) VCF-style: chr1-55505657-G-C.
Other names: c.147G>C, p.Glu49Asp (NM_001407240.1, NM_001407241.1, NM_001407242.1 and 4 more transcripts); c.-588G>C (NM_001407246.1); short protein forms E49D.
Identifiers: ClinVar variation 2454168 (VCV002454168.4), dbSNP rs747002272, ClinGen allele CA037132.

ClinVar aggregate classification (germline): Conflicting classifications of pathogenicity. Review status: criteria provided, conflicting classifications (1 of 4 stars). 3 submissions from 3 submitters: Uncertain significance (2); Likely benign (1). Last evaluated 2025-10-07.

Conditions:
Hypercholesterolemia, autosomal dominant, 3 (FHCL3). Also called: Familial Hypercholesterolemia, Autosomal Dominant, 3; PCSK9-Related Familial Hypercholesterolemia, Autosomal Dominant; Familial hypercholesterolemia 3. Identifiers: MedGen C1863551, MONDO:0011369, OMIM 603776.
Cardiovascular phenotype. Identifiers: MedGen CN230736.
Familial hypercholesterolemia. Also called: Familial hypercholesterolemias; Familial hypercholesterolaemia. Identifiers: MedGen C0020445, MONDO:0005439.

Allele frequency attached by ClinVar (database versions not stated): gnomAD exomes below 0.00001.

Submissions (3):

Color Diagnostics, LLC DBA Color Health
Classification: Likely benign for Familial hypercholesterolemia. Last evaluated: 2025-10-07. Review status: criteria provided, single submitter. Criteria: ACMG Guidelines, 2015. Collection method: clinical testing. Allele origin: germline.

All of Us Research Program, National Institutes of Health
Classification: Uncertain significance for Hypercholesterolemia, autosomal dominant, 3. Last evaluated: 2023-10-06. Review status: criteria provided, single submitter. Criteria: ACMG Guidelines, 2015. Collection method: clinical testing. Allele origin: germline. Inheritance: Autosomal dominant inheritance. Observed: 1 variant allele, 1 heterozygote.
Comment: This missense variant replaces glutamic acid with aspartic acid at codon 49 of the PCSK9 protein. Computational prediction suggests that this variant may not impact protein structure and function (internally defined REVEL score threshold <= 0.5, PMID: 27666373). To our knowledge, functional studies have not been reported for this variant. This variant has not been reported in individuals affected with PCSK9-related disorders in the literature. This variant has been identified in 1/196466 chromosomes in the general population by the Genome Aggregation Database (gnomAD). The available evidence is insufficient to determine the role of this variant in disease conclusively. Therefore, this variant is classified as a Variant of Uncertain Significance.

This study involves interpretation of variants in research participants for the purpose of population health screening. Participant phenotype was not available at the time of variant classification. Additional details can be found in publication PMID: 35346344, PMCID: PMC8962531

Ambry Genetics
Classification: Uncertain significance for Cardiovascular phenotype. Last evaluated: 2023-03-14. Review status: criteria provided, single submitter. Criteria: Ambry Variant Classification Scheme 2023. Collection method: clinical testing. Allele origin: germline.
Comment: The p.E49D variant (also known as c.147G>C), located in coding exon 1 of the PCSK9 gene, results from a G to C substitution at nucleotide position 147. The glutamic acid at codon 49 is replaced by aspartic acid, an amino acid with highly similar properties. One study suggested this variant may impact propeptide phosphorylation; however, the physiological relevance of this finding is unclear (Dewpura T et al. FEBS J, 2008 Jul;275:3480-93). This amino acid position is well conserved in available vertebrate species. In addition, this alteration is predicted to be tolerated by in silico analysis. Since supporting evidence is limited at this time, the clinical significance of this alteration remains unclear.

Literature cited by the submitters: PubMed 18498363 (cited by Ambry Genetics).